The following is an entry in ClinVar:

ClinVar aggregate classification (germline): Uncertain significance (1 of 4 stars; one submission).

gnomAD v4.1: 2 of 1,614,060 alleles (0.00012%); highest among the groups gnomAD compares: African/African-American, 0.0027%; no homozygotes.

Submission:

Labcorp Genetics (formerly Invitae), Labcorp
Classification: Uncertain significance. Last evaluated: 2024-04-25. Review status: criteria provided, single submitter. Criteria: Invitae Variant Classification Sherloc (09022015). Collection method: clinical testing. Allele origin: germline.
Comment: This sequence change replaces asparagine, which is neutral and polar, with lysine, which is basic and polar, at codon 156 of the ATPAF2 protein (p.Asn156Lys). This variant is present in population databases (no rsID available, gnomAD 0.007%). This variant has not been reported in the literature in individuals affected with ATPAF2-related conditions. Advanced modeling of protein sequence and biophysical properties (such as structural, functional, and spatial information, amino acid conservation, physicochemical variation, residue mobility, and thermodynamic stability) performed at Invitae indicates that this missense variant is not expected to disrupt ATPAF2 protein function with a negative predictive value of 80%. In summary, the available evidence is currently insufficient to determine the role of this variant in disease. Therefore, it has been classified as a Variant of Uncertain Significance.

NM_145691.4(ATPAF2):c.468T>A (p.Asn156Lys)

Gene: ATPAF2 (ATP synthase mitochondrial F1 complex assembly factor 2; minus strand). Cytogenetic location: 17p11.2.
Variant type: single nucleotide variant.
Coding change: c.468T>A on transcript NM_145691.4 (MANE Select); coding-DNA position 468, T replaced by A.
Protein change: p.Asn156Lys; replaces asparagine 156 with lysine.
Molecular consequence: missense variant.
Genome position (GRCh38, 1-based): chr17:18,024,659, A>T on the plus strand (T>A on the coding strand, the complement: ATPAF2 is on the minus strand). VCF-style: chr17-18024659-A-T. GRCh37 (hg19) VCF-style: chr17-17927973-A-T.
Other names: short protein forms N156K.
Identifiers: ClinVar variation 3634415 (VCV003634415.2).
Genomic context (GRCh38, chr17:18,024,659, plus strand): 5'-CTTTCTGCAGGGCTGTACATCTTACCTTTTCTCAGCCCATTCGATGATTGGATCCCACTC[A>T]TTCCTTTGAAGTTCCACTAATGTCTCGGGCTCCTCCACCCTGTAGCTAATTCATTGTAAA-3'
Protein context (NP_663729.1, residues 146-166): EPETLVELQR[Asn156Lys]EWDPIIEWAE